The following is an entry in ClinVar:

NM_014264.5(PLK4):c.1477A>G (p.Thr493Ala)

Gene: PLK4 (polo like kinase 4; plus strand). Cytogenetic location: 4q28.1.
Variant type: single nucleotide variant.
Coding change: c.1477A>G on transcript NM_014264.5 (MANE Select); coding-DNA position 1477, A replaced by G.
Protein change: p.Thr493Ala; replaces threonine 493 with alanine.
Molecular consequence: missense variant.
Genome position (GRCh38, 1-based): chr4:127,889,883, A>G. VCF-style: chr4-127889883-A-G. GRCh37 (hg19) VCF-style: chr4-128811038-A-G.
Other names: c.1381A>G, p.Thr461Ala (NM_001190799.2); c.1354A>G, p.Thr452Ala (NM_001190801.2); short protein forms T461A, T452A, T493A.
Identifiers: ClinVar variation 1468374 (VCV001468374.6), dbSNP rs760272111, ClinGen allele CA3076784.

ClinVar aggregate classification (germline): Uncertain significance (1 of 4 stars; one submission).

Allele frequency attached by ClinVar (database versions not stated): TOPMed below 0.00001; gnomAD exomes 0.00001; ExAC 0.00002; gnomAD 0.00002.

Submission:

Labcorp Genetics (formerly Invitae), Labcorp
Classification: Uncertain significance. Last evaluated: 2024-10-22. Review status: criteria provided, single submitter. Criteria: Invitae Variant Classification Sherloc (09022015). Collection method: clinical testing. Allele origin: germline.
Comment: This sequence change replaces threonine, which is neutral and polar, with alanine, which is neutral and non-polar, at codon 493 of the PLK4 protein (p.Thr493Ala). This variant is present in population databases (rs760272111, gnomAD 0.002%). This variant has not been reported in the literature in individuals affected with PLK4-related conditions. ClinVar contains an entry for this variant (Variation ID: 1468374). An algorithm developed to predict the effect of missense changes on protein structure and function outputs the following: PolyPhen-2: "Benign". The alanine amino acid residue is found in multiple mammalian species, which suggests that this missense change does not adversely affect protein function. In summary, the available evidence is currently insufficient to determine the role of this variant in disease. Therefore, it has been classified as a Variant of Uncertain Significance.